The following is an entry in ClinVar:

ClinVar aggregate classification (germline): Uncertain significance (1 of 4 stars; one submission).

Conditions:
Abortive cerebellar ataxia (BEHRS). Also called: OPTIC ATROPHY, INFANTILE HEREDITARY, WITH NEUROLOGIC ABNORMALITIES; Behr syndrome. Identifiers: Orphanet 1239, MedGen C0221061, MONDO:0008858, OMIM 210000.

Submission:

Neuberg Centre For Genomic Medicine, NCGM
Classification: Uncertain significance for Abortive cerebellar ataxia. Review status: criteria provided, single submitter. Criteria: ACMG Guidelines, 2015. Collection method: clinical testing. Allele origin: germline. Inheritance: Autosomal recessive inheritance. Affected: yes.
Comment: The stop gained variant c.267G>A (p.Trp89Ter) in the OPA1 gene has not been reported previously as a pathogenic variant nor as a benign variant, to our knowledge. The variant is absent in the gnomAD Exomes. This variant is predicted to cause a loss of normal protein function through protein truncation. Loss of function variants has been previously reported to be disease causing (Maggi et al., 2021). For these reasons, this variant has been classified as Likely Pathogenic.

NM_130837.3(OPA1):c.267G>A (p.Trp89Ter)

Gene: OPA1 (OPA1 mitochondrial dynamin like GTPase; plus strand). Cytogenetic location: 3q29.
Variant type: single nucleotide variant.
Coding change: c.267G>A on transcript NM_130837.3 (MANE Select); coding-DNA position 267, G replaced by A.
Protein change: p.Trp89Ter; replaces tryptophan 89 with a stop codon.
Molecular consequence: nonsense. On other transcripts: 5 prime UTR variant (2).
Genome position (GRCh38, 1-based): chr3:193,614,957, G>A. VCF-style: chr3-193614957-G-A. GRCh37 (hg19) VCF-style: chr3-193332746-G-A.
Other names: c.-106G>A (NM_001354663.2, NM_001354664.2); c.267G>A, p.Trp89Ter (NM_015560.3, NM_130831.3, NM_130832.3 and 4 more transcripts); short protein forms W89*.
Identifiers: ClinVar variation 3242089 (VCV003242089.1), dbSNP rs1728788655.